The following is an entry in ClinVar:

ClinVar aggregate classification (germline): Uncertain significance (1 of 4 stars; one submission).

Conditions:
Complex cortical dysplasia with other brain malformations 6. Identifiers: MedGen C4014283, MONDO:0014341, OMIM 615771.

Submission:

Department of Clinical Genetics, Copenhagen University Hospital, Rigshospitalet
Classification: Uncertain significance for Complex cortical dysplasia with other brain malformations 6. Last evaluated: 2025-03-26. Review status: criteria provided, single submitter. Criteria: ACMG Guidelines, 2015. Collection method: clinical testing. Allele origin: germline.
Comment: The following ACMG criteria has ben used: PM1_su, PM2_su, PP2_su, PP3_M. The variant is de novo, but PS2 has not been applied, as the phenotype is not consistant with gene (ClinGen Sequence Variant Interpretation Recommendation for de novo Criteria (PS2/PM6) - Version 1.1

NM_178014.4(TUBB):c.421G>A (p.Gly141Arg)

Gene: TUBB (tubulin beta class I; plus strand). Cytogenetic location: 6p21.33.
Variant type: single nucleotide variant.
Coding change: c.421G>A on transcript NM_178014.4 (MANE Select); coding-DNA position 421, G replaced by A.
Protein change: p.Gly141Arg; replaces glycine 141 with arginine.
Molecular consequence: missense variant. On other transcripts: intron variant (1).
Genome position (GRCh38, 1-based): chr6:30,723,483, G>A. VCF-style: chr6-30723483-G-A. GRCh37 (hg19) VCF-style: chr6-30691260-G-A.
Other names: c.481G>A, p.Gly161Arg (NM_001293212.2); c.289G>A, p.Gly97Arg (NM_001293214.2); c.205G>A, p.Gly69Arg (NM_001293215.2, NM_001293216.2); c.369+52G>A (NM_001293213.2); short protein forms G141R, G161R, G69R, G97R.
Identifiers: ClinVar variation 3899279 (VCV003899279.1).